The following is an entry in ClinVar:

ClinVar aggregate classification (germline): Conflicting classifications of pathogenicity. Review status: criteria provided, conflicting classifications (1 of 4 stars). 4 submissions from 4 submitters: Uncertain significance (1); Likely benign (2). 1 of the submissions does not count toward it. Last evaluated 2024-11-08.

Conditions:
EHHADH-related disorder. Also called: EHHADH-related condition.

Allele frequency attached by ClinVar (database versions not stated): gnomAD 0.00101 and 0.00098; ExAC 0.00104; 1000 Genomes Project 0.00020; ESP Exome Variant Server 0.00023; 1000 Genomes Project 30x 0.00031; TOPMed 0.00057; gnomAD exomes 0.00079 and 0.00090.
gnomAD v4.1: 1,284 of 1,614,170 alleles (0.08%); highest among the groups gnomAD compares: South Asian, 0.19%; 3 homozygotes.

Submissions (4):

Blueprint Genetics
Classification: Likely benign. Last evaluated: 2024-11-08. Review status: criteria provided, single submitter. Criteria: ACMG Guidelines, 2015. Collection method: clinical testing. Allele origin: germline.

Mayo Clinic Laboratories, Mayo Clinic
Classification: Uncertain significance. Last evaluated: 2024-01-19. Review status: criteria provided, single submitter. Criteria: ACMG Guidelines, 2015. Collection method: clinical testing. Allele origin: germline. Observed: 3 variant alleles.
Comment: PP3

Eurofins Ntd Llc (ga)
Classification: Likely benign. Last evaluated: 2017-03-27. Review status: criteria provided, single submitter. Criteria: EGL Classification Definitions 2015. Collection method: clinical testing. Allele origin: germline. Observed: 1 variant allele, 1 heterozygote.

PreventionGenetics, part of Exact Sciences
Classification: Likely benign for EHHADH-related condition. Last evaluated: 2022-06-14. Review status: no assertion criteria provided. Collection method: clinical testing. Allele origin: germline. Not counted in ClinVar's aggregate classification.
Comment: This variant is classified as likely benign based on ACMG/AMP sequence variant interpretation guidelines (Richards et al. 2015 PMID: 25741868, with internal and published modifications).

Literature cited by the submitters: PubMed 36134613 (cited by Mayo Clinic Laboratories, Mayo Clinic).

NM_001966.4(EHHADH):c.1864C>T (p.Arg622Cys)

Gene: EHHADH (enoyl-CoA hydratase and 3-hydroxyacyl CoA dehydrogenase; minus strand). Cytogenetic location: 3q27.2.
Variant type: single nucleotide variant.
Coding change: c.1864C>T on transcript NM_001966.4 (MANE Select); coding-DNA position 1864, C replaced by T.
Protein change: p.Arg622Cys; replaces arginine 622 with cysteine.
Molecular consequence: missense variant.
Genome position (GRCh38, 1-based): chr3:185,192,534, G>A on the plus strand (C>T on the coding strand, the complement: EHHADH is on the minus strand). VCF-style: chr3-185192534-G-A. GRCh37 (hg19) VCF-style: chr3-184910322-G-A.
Other names: p.Arg622Cys; c.1576C>T, p.Arg526Cys (NM_001166415.2); c.1864C>T (NM_001966.3); short protein forms R622C, R526C.
Identifiers: ClinVar variation 501143 (VCV000501143.9), dbSNP rs199916968, ClinGen allele CA2738907.